The following is an entry in ClinVar:

ClinVar aggregate classification (germline): Uncertain significance (1 of 4 stars; one submission).

Submission:

Women's Health and Genetics/Laboratory Corporation of America, LabCorp
Classification: Uncertain significance. Last evaluated: 2025-04-18. Review status: criteria provided, single submitter. Criteria: LabCorp Variant Classification Summary - May 2015. Collection method: clinical testing. Allele origin: germline.
Comment: Variant summary: SCAF4 c.2522G>A (p.Gly841Glu) results in a non-conservative amino acid change in the encoded protein sequence. Four of five in-silico tools predict a damaging effect of the variant on protein function. The variant was absent in 243162 control chromosomes. The available data on variant occurrences in the general population are insufficient to allow any conclusion about variant significance. To our knowledge, no occurrence of c.2522G>A in individuals affected with Fliedner-Zweier Syndrome and no experimental evidence demonstrating its impact on protein function have been reported. No submitters have cited clinical-significance assessments for this variant to ClinVar. Based on the evidence outlined above, the variant was classified as uncertain significance.

NM_020706.2(SCAF4):c.2522G>A (p.Gly841Glu)

Gene: SCAF4 (SR-related CTD associated factor 4; minus strand). Cytogenetic location: 21q22.11.
Variant type: single nucleotide variant.
Coding change: c.2522G>A on transcript NM_020706.2 (MANE Select); coding-DNA position 2522, G replaced by A.
Protein change: p.Gly841Glu; replaces glycine 841 with glutamic acid.
Molecular consequence: missense variant.
Genome position (GRCh38, 1-based): chr21:31,672,321, C>T on the plus strand (G>A on the coding strand, the complement: SCAF4 is on the minus strand). VCF-style: chr21-31672321-C-T. GRCh37 (hg19) VCF-style: chr21-33044634-C-T.
Other names: c.2477G>A, p.Gly826Glu (NM_001145444.1); c.2456G>A, p.Gly819Glu (NM_001145445.1); short protein forms G819E, G826E, G841E.
Identifiers: ClinVar variation 3896170 (VCV003896170.2).
Genomic context (GRCh38, chr21:31,672,321, plus strand): 5'-CGCTGGAGTGGGATGAGACCGGGCCGGGCGCCAAGAAGACCAGTAGATGGTGCCTGAAGT[C>T]CAATTACAGGACCAGGGGCAACTCCTTGAGTGCCTAAAAGACGACAAAAATAAAAATGTA-3'
Protein context (NP_065757.1, residues 831-851): TQGVAPGPVI[Gly841Glu]LQAPSTGLLG